The following is an entry in ClinVar:

ClinVar aggregate classification (germline): Likely pathogenic (1 of 4 stars; one submission).

Conditions:
Immunodeficiency 85 and autoimmunity. Identifiers: MedGen C5561976, MONDO:0030428, OMIM 619510.

gnomAD v4.1: 6 of 1,613,744 alleles (0.00037%); highest among the groups gnomAD compares: South Asian, 0.0022%; no homozygotes.

Submission:

Saikia Lab, Postgraduate Institute of Medical Education and Research, Chandigarh
Classification: Likely pathogenic for Immunodeficiency 85 and autoimmunity. Last evaluated: 2026-04-19. Review status: criteria provided, single submitter. Criteria: ACMG Guidelines, 2015. Collection method: research. Allele origin: germline. Inheritance: Autosomal dominant inheritance. Affected: yes. Observed: 1 variant allele, 1 heterozygote.
Comment: The variant is absent from major population databases (gnomAD, 1000 Genomes). Multiple computational tools (SIFT, PolyPhen-2, PROVEAN) predict a deleterious effect. TOM1 is involved in endosomal trafficking and cytokine receptor regulation, providing a biologically plausible mechanism. Based on the integration of genetic and computational evidence, this variant is classified as likely pathogenic.

NM_005488.3(TOM1):c.358C>T (p.Leu120Phe)

Genes: TOM1 (target of myb1 membrane trafficking protein; plus strand), LOC126863133 (CDK7 strongly-dependent group 2 enhancer GRCh37_chr22:35718923-35720122; plus strand). Cytogenetic location: 22q12.3.
Variant type: single nucleotide variant.
Coding change: c.358C>T on transcript NM_005488.3 (MANE Select); coding-DNA position 358, C replaced by T.
Protein change: p.Leu120Phe; replaces leucine 120 with phenylalanine.
Molecular consequence: missense variant. On other transcripts: non-coding transcript variant (3).
Genome position (GRCh38, 1-based): chr22:35,323,169, C>T. VCF-style: chr22-35323169-C-T. GRCh37 (hg19) VCF-style: chr22-35719162-C-T.
Other names: NP_005479.2:p.Leu120Phe; c.259C>T, p.Leu87Phe (NM_001135729.2); c.358C>T, p.Leu120Phe (NM_001135730.2, NM_001135732.2); short protein forms L87F, L120F.
Identifiers: ClinVar variation 4845226 (VCV004845226.1).